The following is an entry in ClinVar:

ClinVar aggregate classification (germline): Uncertain significance. Review status: criteria provided, multiple submitters, no conflicts (2 of 4 stars). 2 submissions from 2 submitters: Uncertain significance (2). Last evaluated 2026-02-24.

Conditions:
Aortic valve disease 2 (AOVD2). Identifiers: MedGen C3542024, MONDO:0013902, OMIM 614823.
Inborn genetic diseases. Identifiers: MedGen C0950123, MeSH D030342.

gnomAD v4.1: 11 of 1,228,424 alleles (0.0009%); highest among the groups gnomAD compares: Non-Finnish European, 0.001%; no homozygotes.

Submissions (2):

Ambry Genetics
Classification: Uncertain significance for Inborn genetic diseases. Last evaluated: 2026-02-24. Review status: criteria provided, single submitter. Criteria: Ambry Variant Classification Scheme 2023. Collection method: clinical testing. Allele origin: germline.

Labcorp Genetics (formerly Invitae), Labcorp
Classification: Uncertain significance for Aortic valve disease 2. Last evaluated: 2025-01-06. Review status: criteria provided, single submitter. Criteria: Invitae Variant Classification Sherloc (09022015). Collection method: clinical testing. Allele origin: germline.
Comment: This sequence change replaces alanine, which is neutral and non-polar, with valine, which is neutral and non-polar, at codon 80 of the SMAD6 protein (p.Ala80Val). This variant is not present in population databases (gnomAD no frequency). This variant has not been reported in the literature in individuals affected with SMAD6-related conditions. ClinVar contains an entry for this variant (Variation ID: 539114). An algorithm developed to predict the effect of missense changes on protein structure and function (PolyPhen-2) suggests that this variant¬†is likely to be tolerated. In summary, the available evidence is currently insufficient to determine the role of this variant in disease. Therefore, it has been classified as a Variant of Uncertain Significance.

NM_005585.5(SMAD6):c.239C>T (p.Ala80Val)

Gene: SMAD6 (SMAD family member 6; plus strand). Cytogenetic location: 15q22.31.
Variant type: single nucleotide variant.
Coding change: c.239C>T on transcript NM_005585.5 (MANE Select); coding-DNA position 239, C replaced by T.
Protein change: p.Ala80Val; replaces alanine 80 with valine.
Molecular consequence: missense variant. On other transcripts: non-coding transcript variant (1).
Genome position (GRCh38, 1-based): chr15:66,703,497, C>T. VCF-style: chr15-66703497-C-T. GRCh37 (hg19) VCF-style: chr15-66995835-C-T.
Other names: short protein forms A80V.
Identifiers: ClinVar variation 539114 (VCV000539114.9), dbSNP rs1555434180, ClinGen allele CA392949016.